The following is an entry in ClinVar:

ClinVar aggregate classification (germline): Uncertain significance. Review status: criteria provided, multiple submitters, no conflicts (2 of 4 stars). 2 submissions from 2 submitters: Uncertain significance (2). Last evaluated 2025-07-29.

Conditions:
Cardiomyopathy (CMYO). Also called: Cardiomyopathies. Identifiers: Orphanet 167848, MedGen C0878544, MONDO:0004994, HP:0001638. Inheritance: Various modes of inheritance.

Allele frequency attached by ClinVar (database versions not stated): gnomAD exomes below 0.00001; ExAC 0.00001.

Submissions (2):

Color Diagnostics, LLC DBA Color Health
Classification: Uncertain significance for Cardiomyopathy. Last evaluated: 2025-07-29. Review status: criteria provided, single submitter. Criteria: ACMG Guidelines, 2015. Collection method: clinical testing. Allele origin: germline.
Comment: This variant causes a T to C nucleotide substitution at the +4 position of intron 4 of the TNNT2 gene. To our knowledge, functional studies have not been reported for this variant. This variant has not been reported in individuals affected with TNNT2-related disorders in the literature. This variant has been identified in 1/251278 chromosomes in the general population by the Genome Aggregation Database (gnomAD). The available evidence is insufficient to determine the role of this variant in disease conclusively. Therefore, this variant is classified as a Variant of Uncertain Significance.

All of Us Research Program, National Institutes of Health
Classification: Uncertain significance for Cardiomyopathy. Last evaluated: 2023-10-02. Review status: criteria provided, single submitter. Criteria: ACMG Guidelines, 2015. Collection method: clinical testing. Allele origin: germline. Inheritance: Autosomal dominant inheritance. Observed: 1 variant allele, 1 heterozygote.
Comment: This variant causes a T to C nucleotide substitution at the +4 position of intron 4 of the TNNT2 gene. To our knowledge, functional studies have not been reported for this variant. This variant has not been reported in individuals affected with TNNT2-related disorders in the literature. This variant has been identified in 1/251278 chromosomes in the general population by the Genome Aggregation Database (gnomAD). The available evidence is insufficient to determine the role of this variant in disease conclusively. Therefore, this variant is classified as a Variant of Uncertain Significance.

This study involves interpretation of variants in research participants for the purpose of population health screening. Participant phenotype was not available at the time of variant classification. Additional details can be found in publication PMID: 35346344, PMCID: PMC8962531

NM_001276345.2(TNNT2):c.67+4T>C

Gene: TNNT2 (troponin T2, cardiac type; minus strand). Cytogenetic location: 1q32.1.
Variant type: single nucleotide variant.
Coding change: c.67+4T>C on transcript NM_001276345.2 (MANE Select); 4 bases into the intron after coding-DNA position 67, T replaced by C.
Molecular consequence: intron variant.
Genome position (GRCh38, 1-based): chr1:201,372,023, A>G on the plus strand (T>C on the coding strand, the complement: TNNT2 is on the minus strand). VCF-style: chr1-201372023-A-G. GRCh37 (hg19) VCF-style: chr1-201341151-A-G.
Other names: c.67+4T>C (NM_001406727.1, NM_001406724.1, NM_001406725.1 and 7 more transcripts); c.52+122T>C (NM_001001432.3, NM_001406728.1).
Identifiers: ClinVar variation 3073630 (VCV003073630.2), dbSNP rs767621815, ClinGen allele CA077331.